The following is an entry in ClinVar:

ClinVar aggregate classification (germline): Uncertain significance. Review status: criteria provided, multiple submitters, no conflicts (2 of 4 stars). 2 submissions from 2 submitters: Uncertain significance (2). Last evaluated 2024-09-03.

Conditions:
Autosomal recessive ataxia, Beauce type. Also called: Spinocerebellar ataxia, autosomal recessive 8; ATAXIA, RECESSIVE, OF BEAUCE; SYNE1-Related Autosomal Recessive Cerebellar Ataxia; SYNE1 Deficiency. Identifiers: Orphanet 88644, MedGen C1853116, MONDO:0012549, OMIM 610743.
Emery-Dreifuss muscular dystrophy 4, autosomal dominant (EDMD4). Also called: EMERY-DREIFUSS MUSCULAR DYSTROPHY 4 WITH VARIABLE FEATURES. Identifiers: Orphanet 261, MedGen C2751807, MONDO:0013071, OMIM 612998.

Allele frequency attached by ClinVar (database versions not stated): gnomAD 0.00001; gnomAD exomes 0.00006; ExAC 0.00008.
gnomAD v4.1: 16 of 1,613,932 alleles (0.00099%); highest among the groups gnomAD compares: East Asian, 0.027%; no homozygotes.

Submissions (2):

Revvity Omics, Revvity
Classification: Uncertain significance. Last evaluated: 2024-09-03. Review status: criteria provided, single submitter. Criteria: ACMG Guidelines, 2015. Collection method: clinical testing. Allele origin: germline.

Labcorp Genetics (formerly Invitae), Labcorp
Classification: Uncertain significance for Emery-Dreifuss muscular dystrophy 4, autosomal dominant; Autosomal recessive ataxia, Beauce type. Last evaluated: 2024-04-10. Review status: criteria provided, single submitter. Criteria: Invitae Variant Classification Sherloc (09022015). Collection method: clinical testing. Allele origin: germline.
Comment: This sequence change replaces leucine, which is neutral and non-polar, with isoleucine, which is neutral and non-polar, at codon 7721 of the SYNE1 protein (p.Leu7721Ile). This variant is present in population databases (rs376844951, gnomAD 0.08%). This variant has not been reported in the literature in individuals affected with SYNE1-related conditions. ClinVar contains an entry for this variant (Variation ID: 967468). An algorithm developed to predict the effect of missense changes on protein structure and function (PolyPhen-2) suggests that this variant is likely to be tolerated. In summary, the available evidence is currently insufficient to determine the role of this variant in disease. Therefore, it has been classified as a Variant of Uncertain Significance.

NM_182961.4(SYNE1):c.23374C>A (p.Leu7792Ile)

Gene: SYNE1 (spectrin repeat containing nuclear envelope protein 1; minus strand). Cytogenetic location: 6q25.2.
Variant type: single nucleotide variant.
Coding change: c.23374C>A on transcript NM_182961.4 (MANE Select); coding-DNA position 23374, C replaced by A.
Protein change: p.Leu7792Ile; replaces leucine 7792 with isoleucine.
Molecular consequence: missense variant. On other transcripts: 5 prime UTR variant (1).
Genome position (GRCh38, 1-based): chr6:152,180,222, G>T on the plus strand (C>A on the coding strand, the complement: SYNE1 is on the minus strand). VCF-style: chr6-152180222-G-T. GRCh37 (hg19) VCF-style: chr6-152501357-G-T.
Other names: c.-21C>A (NM_001347701.2); c.23161C>A, p.Leu7721Ile (NM_033071.5); short protein forms L7721I, L7792I.
Identifiers: ClinVar variation 967468 (VCV000967468.10), dbSNP rs376844951, ClinGen allele CA4053613.